The following is an entry in ClinVar:

NM_003737.4(DCHS1):c.7267A>G (p.Ser2423Gly)

Gene: DCHS1 (dachsous cadherin-related 1; minus strand). Cytogenetic location: 11p15.4.
Variant type: single nucleotide variant.
Coding change: c.7267A>G on transcript NM_003737.4 (MANE Select); coding-DNA position 7267, A replaced by G.
Protein change: p.Ser2423Gly; replaces serine 2423 with glycine.
Molecular consequence: missense variant.
Genome position (GRCh38, 1-based): chr11:6,624,748, T>C on the plus strand (A>G on the coding strand, the complement: DCHS1 is on the minus strand). VCF-style: chr11-6624748-T-C. GRCh37 (hg19) VCF-style: chr11-6645979-T-C.
Other names: short protein forms S2423G.
Identifiers: ClinVar variation 4763736 (VCV004763736.1).

ClinVar aggregate classification (germline): Uncertain significance (1 of 4 stars; one submission).

gnomAD v4.1: 40 of 1,613,928 alleles (0.0025%); highest among the groups gnomAD compares: South Asian, 0.04%; no homozygotes.

Submission:

Labcorp Genetics (formerly Invitae), Labcorp
Classification: Uncertain significance. Last evaluated: 2025-08-30. Review status: criteria provided, single submitter. Criteria: Invitae Variant Classification Sherloc (09022015). Collection method: clinical testing. Allele origin: germline.
Comment: This sequence change replaces serine, which is neutral and polar, with glycine, which is neutral and non-polar, at codon 2423 of the DCHS1 protein (p.Ser2423Gly). This variant is present in population databases (rs766622753, gnomAD 0.05%). This variant has not been reported in the literature in individuals affected with DCHS1-related conditions. Invitae Evidence Modeling of protein sequence and biophysical properties (such as structural, functional, and spatial information, amino acid conservation, physicochemical variation, residue mobility, and thermodynamic stability) indicates that this missense variant is not expected to disrupt DCHS1 protein function with a negative predictive value of 95%. In summary, the available evidence is currently insufficient to determine the role of this variant in disease. Therefore, it has been classified as a Variant of Uncertain Significance.